The following is an entry in ClinVar:

NM_012210.4(TRIM32):c.778GAG[2] (p.Glu262del)

Genes: ASTN2 (astrotactin 2; minus strand), TRIM32 (tripartite motif containing 32; plus strand). Cytogenetic location: 9q33.1.
Variant type: Microsatellite.
Coding change: c.778GAG[2] on transcript NM_012210.4 (MANE Select); two copies in a row of the 3-base unit GAG starting at c.778; the reference has three copies in a row; one copy, 3 bases deleted.
Protein change: p.Glu262del; deletes glutamic acid 262.
Molecular consequence: inframe deletion. On other transcripts: intron variant (3).
Genome position (GRCh38, 1-based): chr9:116,698,526-116,698,528, GAG deleted; deleting any 3 consecutive bases within chr9:116,698,520-116,698,528 gives the same sequence; the position shown is the placement nearest the transcript's 3' end. VCF-style (leftmost placement, unchanged base first): chr9-116698519-TGAG-T. GRCh37 (hg19) VCF-style: chr9-119460798-TGAG-T.
Other names: c.778GAG[2], p.Glu262del (NM_001099679.2, NM_001379048.1, NM_001379049.1 and 1 more transcripts); c.2653+27243CTC[2] (NM_014010.5); c.2794+27243CTC[2] (NM_001365069.1); c.2806+27243CTC[2] (NM_001365068.1); short protein forms E262del.
Identifiers: ClinVar variation 1023736 (VCV001023736.9), dbSNP rs545471341, ClinGen allele CA5211044.

ClinVar aggregate classification (germline): Uncertain significance. Review status: criteria provided, multiple submitters, no conflicts (2 of 4 stars). 2 submissions from 2 submitters: Uncertain significance (2). Last evaluated 2026-01-19.

Conditions:
Bardet-Biedl syndrome (BBS). Identifiers: Orphanet 110, MedGen C0752166, MONDO:0015229.

Submissions (2):

Labcorp Genetics (formerly Invitae), Labcorp
Classification: Uncertain significance for Bardet-Biedl syndrome. Last evaluated: 2026-01-19. Review status: criteria provided, single submitter. Criteria: Invitae Variant Classification Sherloc (09022015). Collection method: clinical testing. Allele origin: germline.
Comment: This variant, c.784_786del, results in the deletion of 1 amino acid(s) of the TRIM32 protein (p.Glu262del), but otherwise preserves the integrity of the reading frame. This variant is present in population databases (rs545471341, gnomAD 0.02%). This variant has not been reported in the literature in individuals affected with TRIM32-related conditions. Experimental studies and prediction algorithms are not available or were not evaluated, and the functional significance of this variant is currently unknown. In summary, the available evidence is currently insufficient to determine the role of this variant in disease. Therefore, it has been classified as a Variant of Uncertain Significance.

Blueprint Genetics
Classification: Uncertain significance. Last evaluated: 2023-12-29. Review status: criteria provided, single submitter. Criteria: ACMG Guidelines, 2015. Collection method: clinical testing. Allele origin: germline.